The following is an entry in ClinVar:

NM_001009944.3(PKD1):c.5973C>T (p.Asn1991=)

Gene: PKD1 (polycystin 1, transient receptor potential channel interacting; minus strand). Cytogenetic location: 16p13.3.
Variant type: single nucleotide variant.
Coding change: c.5973C>T on transcript NM_001009944.3 (MANE Select); coding-DNA position 5973, C replaced by T.
Protein change: p.Asn1991=; no amino-acid change (asparagine 1991 retained).
Molecular consequence: synonymous variant.
Genome position (GRCh38, 1-based): chr16:2,109,194, G>A on the plus strand (C>T on the coding strand, the complement: PKD1 is on the minus strand). VCF-style: chr16-2109194-G-A. GRCh37 (hg19) VCF-style: chr16-2159195-G-A.
Other names: c.5973C>T, p.Asn1991= (NM_000296.4).
Identifiers: ClinVar variation 3388563 (VCV003388563.14).

ClinVar aggregate classification (germline): Likely benign (1 of 4 stars; one submission).

gnomAD v4.1: 109 of 1,597,346 alleles (0.0068%); highest among the groups gnomAD compares: Admixed American, 0.0084%; no homozygotes.

Submission:

CeGaT Center for Human Genetics Tuebingen
Classification: Likely benign. Last evaluated: 2024-12-01. Review status: criteria provided, single submitter. Criteria: CeGaT Center For Human Genetics Tuebingen Variant Classification Criteria Version 2. Collection method: clinical testing. Allele origin: germline. Affected: yes. Observed: 2 variant alleles.
Comment: PKD1: BP4, BP7